The following is an entry in ClinVar:

NM_052989.3(IFT122):c.3426_3430del (p.Ser1143fs)

Gene: IFT122 (intraflagellar transport 122; plus strand). Cytogenetic location: 3q22.1.
Variant type: Deletion.
Coding change: c.3426_3430del on transcript NM_052989.3 (MANE Select); coding-DNA positions 3426 to 3430, 5 bases deleted (CTCCA; older notation c.3426_3430delCTCCA).
Protein change: p.Ser1143fs; shifts the reading frame from serine 1143.
Molecular consequence: frameshift variant.
Genome position (GRCh38, 1-based): chr3:129,519,141-129,519,145, CTCCA deleted; deleting any 5 consecutive bases within chr3:129,519,140-129,519,145 gives the same sequence; the c. name uses the placement nearest the transcript's 3' end. VCF-style (leftmost placement, unchanged base first): chr3-129519139-GACTCC-G. GRCh37 (hg19) VCF-style: chr3-129237982-GACTCC-G.
Other names: c.3405_3409del, p.Ser1136fs (NM_001280541.2); c.2976_2980del, p.Ser993fs (NM_001280545.2); c.2799_2803del, p.Ser934fs (NM_001280546.2); c.3249_3253del, p.Ser1084fs (NM_018262.4); c.3579_3583del, p.Ser1194fs (NM_052985.4); c.3096_3100del, p.Ser1033fs (NM_052990.3); short protein forms S1033fs, S1084fs, S1136fs, S1143fs, S1194fs, S934fs, S993fs.
Identifiers: ClinVar variation 1323103 (VCV001323103.7), dbSNP rs1299632365, ClinGen allele CA546225171.

ClinVar aggregate classification (germline): Pathogenic. Review status: criteria provided, multiple submitters, no conflicts (2 of 4 stars). 2 submissions from 2 submitters: Pathogenic (2). Last evaluated 2024-11-27.

Conditions:
Cranioectodermal dysplasia 1 (CED1). Also called: LEVIN SYNDROME I. Identifiers: Orphanet 1515, MedGen C0432235, MONDO:0021093, OMIM 218330.

Submissions (2):

Labcorp Genetics (formerly Invitae), Labcorp
Classification: Pathogenic for Cranioectodermal dysplasia 1. Last evaluated: 2024-11-27. Review status: criteria provided, single submitter. Criteria: Invitae Variant Classification Sherloc (09022015). Collection method: clinical testing. Allele origin: germline.
Comment: This sequence change creates a premature translational stop signal (p.Ser1194Argfs*3) in the IFT122 gene. It is expected to result in an absent or disrupted protein product. Loss-of-function variants in IFT122 are known to be pathogenic (PMID: 20493458, 23826986, 26792575). This variant is present in population databases (no rsID available, gnomAD 0.003%). This variant has not been reported in the literature in individuals affected with IFT122-related conditions. ClinVar contains an entry for this variant (Variation ID: 1323103). For these reasons, this variant has been classified as Pathogenic.

Revvity Omics, Revvity
Classification: Pathogenic for Cranioectodermal dysplasia 1. Last evaluated: 2020-03-13. Review status: criteria provided, single submitter. Criteria: ACMG Guidelines, 2015. Collection method: clinical testing. Allele origin: germline.

Literature cited by the submitters: PubMed 20493458 (cited by Labcorp Genetics (formerly Invitae), Labcorp); PubMed 23826986 (cited by Labcorp Genetics (formerly Invitae), Labcorp); PubMed 26792575 (cited by Labcorp Genetics (formerly Invitae), Labcorp).